The following is an entry in ClinVar:

ClinVar aggregate classification (germline): Likely pathogenic (1 of 4 stars; one submission).

Conditions:
Deficiency of isobutyryl-CoA dehydrogenase. Also called: ACAD8 DEFICIENCY; ACYL-CoA DEHYDROGENASE FAMILY, MEMBER 8, DEFICIENCY OF; IBD DEFICIENCY. Identifiers: Orphanet 79159, MedGen C1969809, MONDO:0012648, OMIM 611283.

Submission:

Labcorp Genetics (formerly Invitae), Labcorp
Classification: Likely pathogenic for Deficiency of isobutyryl-CoA dehydrogenase. Last evaluated: 2025-10-06. Review status: criteria provided, single submitter. Criteria: Invitae Variant Classification Sherloc (09022015). Collection method: clinical testing. Allele origin: germline.
Comment: This sequence change affects a donor splice site in intron 8 of the ACAD8 gene. It is expected to disrupt RNA splicing. Variants that disrupt the donor or acceptor splice site typically lead to a loss of protein function (PMID: 16199547), and loss-of-function variants in ACAD8 are known to be pathogenic (PMID: 16857760). This variant is not present in population databases (gnomAD no frequency). Disruption of this splice site has been observed in individual(s) with isobutyryl-CoA dehydrogenase deficiency (internal data). ClinVar contains an entry for this variant (Variation ID: 2844227). Algorithms developed to predict the effect of sequence changes on RNA splicing suggest that this variant may disrupt the consensus splice site. In summary, the currently available evidence indicates that the variant is pathogenic, but additional data are needed to prove that conclusively. Therefore, this variant has been classified as Likely Pathogenic.

Literature cited by the submitters: PubMed 16199547; PubMed 16857760.

NM_014384.3(ACAD8):c.939+1G>T

Gene: ACAD8 (acyl-CoA dehydrogenase family member 8; plus strand). Cytogenetic location: 11q25.
Variant type: single nucleotide variant.
Coding change: c.939+1G>T on transcript NM_014384.3 (MANE Select); the canonical splice donor site of the intron after coding-DNA position 939, G replaced by T.
Molecular consequence: splice donor variant.
Genome position (GRCh38, 1-based): chr11:134,261,373, G>T. VCF-style: chr11-134261373-G-T. GRCh37 (hg19) VCF-style: chr11-134131267-G-T.
Identifiers: ClinVar variation 2844227 (VCV002844227.3), dbSNP rs757899755, ClinGen allele CA383517249.